The following is an entry in ClinVar:

NM_002439.5(MSH3):c.1569-2A>G

Gene: MSH3 (mutS homolog 3; plus strand). Cytogenetic location: 5q14.1.
Variant type: single nucleotide variant.
Coding change: c.1569-2A>G on transcript NM_002439.5 (MANE Select); the canonical splice acceptor site of the intron before coding-DNA position 1569, A replaced by G.
Molecular consequence: splice acceptor variant.
Genome position (GRCh38, 1-based): chr5:80,741,462, A>G. VCF-style: chr5-80741462-A-G. GRCh37 (hg19) VCF-style: chr5-80037281-A-G.
Identifiers: ClinVar variation 3148659 (VCV003148659.1), dbSNP rs2546760401, ClinGen allele CA360274403.

ClinVar aggregate classification (germline): Likely pathogenic (1 of 4 stars; one submission).

Conditions:
Familial adenomatous polyposis 4 (FAP4). Also called: MSH3-related attenuated familial adenomatous polyposis. Identifiers: Orphanet 480536, MedGen C4310719, MONDO:0044300, OMIM 617100.

Submission:

Myriad Genetics, Inc.
Classification: Likely pathogenic for Familial adenomatous polyposis 4. Last evaluated: 2023-12-28. Review status: criteria provided, single submitter. Criteria: Myriad Autosomal Dominant, Autosomal Recessive and X-Linked Classification Criteria (2023). Collection method: clinical testing. Allele origin: unknown.
Comment: This variant is considered likely pathogenic. This variant occurs within a consensus splice junction and is predicted to result in abnormal mRNA splicing of either an out-of-frame exon or an in-frame exon necessary for protein stability and/or normal function.